The following is an entry in ClinVar:

NM_152424.4(AMER1):c.2434G>A (p.Ala812Thr)

Gene: AMER1 (APC membrane recruitment protein 1; minus strand). Cytogenetic location: Xq11.2.
Variant type: single nucleotide variant.
Coding change: c.2434G>A on transcript NM_152424.4 (MANE Select); coding-DNA position 2434, G replaced by A.
Protein change: p.Ala812Thr; replaces alanine 812 with threonine.
Molecular consequence: missense variant.
Genome position (GRCh38, 1-based): chrX:64,190,853, C>T on the plus strand (G>A on the coding strand, the complement: AMER1 is on the minus strand). VCF-style: chrX-64190853-C-T. GRCh37 (hg19) VCF-style: chrX-63410733-C-T.
Other names: c.2434G>A (NM_152424.3); short protein forms A812T.
Identifiers: ClinVar variation 1917131 (VCV001917131.12), dbSNP rs374879781, ClinGen allele CA10432199.

ClinVar aggregate classification (germline): Likely benign. Review status: criteria provided, multiple submitters, no conflicts (2 of 4 stars). 4 submissions from 4 submitters: Likely benign (4). Last evaluated 2026-02-01.

Conditions:
Inborn genetic diseases. Identifiers: MedGen C0950123, MeSH D030342.

Allele frequency attached by ClinVar (database versions not stated): gnomAD exomes 0.00004; ExAC 0.00005; gnomAD 0.00005; ESP Exome Variant Server 0.00009.

Submissions (4):

CeGaT Center for Human Genetics Tuebingen
Classification: Likely benign. Last evaluated: 2026-02-01. Review status: criteria provided, single submitter. Criteria: CeGaT Center For Human Genetics Tuebingen Variant Classification Criteria Version 2. Collection method: clinical testing. Allele origin: germline. Affected: yes. Observed: 1 variant allele.
Comment: AMER1: BS2

Labcorp Genetics (formerly Invitae), Labcorp
Classification: Likely benign. Last evaluated: 2024-10-16. Review status: criteria provided, single submitter. Criteria: Invitae Variant Classification Sherloc (09022015). Collection method: clinical testing. Allele origin: germline.

Blueprint Genetics
Classification: Likely benign. Last evaluated: 2024-09-23. Review status: criteria provided, single submitter. Criteria: ACMG Guidelines, 2015. Collection method: clinical testing. Allele origin: germline.

Ambry Genetics
Classification: Likely benign for Inborn genetic diseases. Last evaluated: 2023-03-17. Review status: criteria provided, single submitter. Criteria: Ambry Variant Classification Scheme 2023. Collection method: clinical testing. Allele origin: germline.